The following is an entry in ClinVar:

ClinVar aggregate classification (germline): Uncertain significance. Review status: criteria provided, multiple submitters, no conflicts (2 of 4 stars). 3 submissions from 3 submitters: Uncertain significance (3). Last evaluated 2026-06-24.

Conditions:
TTLL5-related disorder. Also called: TTLL5-related condition.
Inborn genetic diseases. Identifiers: MedGen C0950123, MeSH D030342.

Allele frequency attached by ClinVar (database versions not stated): TOPMed 0.00003; ExAC 0.00006.
gnomAD v4.1: 88 of 1,614,002 alleles (0.0055%); highest among the groups gnomAD compares: East Asian, 0.17%; no homozygotes.

Submissions (3):

PreventionGenetics, part of Exact Sciences
Classification: Uncertain significance for TTLL5-related condition. Last evaluated: 2026-06-24. Review status: criteria provided, single submitter. Criteria: ACMG Guidelines, 2015. Collection method: clinical testing. Allele origin: germline.
Comment: The TTLL5 c.1906A>G variant is predicted to result in the amino acid substitution p.Lys636Glu. To our knowledge, this variant has not been reported in the literature. This variant is reported in 0.070% of alleles in individuals of East Asian descent in gnomAD, which may be too frequent to be a primary cause of disease. Although we suspect that this variant may be benign, at this time, the clinical significance of this variant is uncertain due to the absence of conclusive functional and genetic evidence.

Ambry Genetics
Classification: Uncertain significance for Inborn genetic diseases. Last evaluated: 2024-01-30. Review status: criteria provided, single submitter. Criteria: Ambry Variant Classification Scheme 2023. Collection method: clinical testing. Allele origin: germline.

Labcorp Genetics (formerly Invitae), Labcorp
Classification: Uncertain significance. Last evaluated: 2023-07-10. Review status: criteria provided, single submitter. Criteria: Invitae Variant Classification Sherloc (09022015). Collection method: clinical testing. Allele origin: germline.
Comment: This sequence change replaces lysine, which is basic and polar, with glutamic acid, which is acidic and polar, at codon 636 of the TTLL5 protein (p.Lys636Glu). This variant is present in population databases (rs760885007, gnomAD 0.07%). This variant has not been reported in the literature in individuals affected with TTLL5-related conditions. ClinVar contains an entry for this variant (Variation ID: 1045393). Advanced modeling of protein sequence and biophysical properties (such as structural, functional, and spatial information, amino acid conservation, physicochemical variation, residue mobility, and thermodynamic stability) performed at Invitae indicates that this missense variant is not expected to disrupt TTLL5 protein function. In summary, the available evidence is currently insufficient to determine the role of this variant in disease. Therefore, it has been classified as a Variant of Uncertain Significance.

NM_015072.5(TTLL5):c.1906A>G (p.Lys636Glu)

Gene: TTLL5 (tubulin tyrosine ligase like 5; plus strand). Cytogenetic location: 14q24.3.
Variant type: single nucleotide variant.
Coding change: c.1906A>G on transcript NM_015072.5 (MANE Select); coding-DNA position 1906, A replaced by G.
Protein change: p.Lys636Glu; replaces lysine 636 with glutamic acid.
Molecular consequence: missense variant.
Genome position (GRCh38, 1-based): chr14:75,766,259, A>G. VCF-style: chr14-75766259-A-G. GRCh37 (hg19) VCF-style: chr14-76232602-A-G.
Other names: c.1906A>G (NM_015072.4); short protein forms K636E.
Identifiers: ClinVar variation 1045393 (VCV001045393.8), dbSNP rs760885007, ClinGen allele CA7279552.